The following is an entry in ClinVar:

ClinVar aggregate classification (germline): Likely benign. Review status: criteria provided, multiple submitters, no conflicts (2 of 4 stars). 3 submissions from 3 submitters: Likely benign (2). 1 of the submissions does not count toward it. Last evaluated 2025-07-21.

Conditions:
Charcot-Marie-Tooth disease axonal type 2U. Also called: CHARCOT-MARIE-TOOTH NEUROPATHY, TYPE 2U; CHARCOT-MARIE-TOOTH DISEASE, AXONAL, AUTOSOMAL DOMINANT, TYPE 2U. Identifiers: Orphanet 397735, MedGen C4084821, MONDO:0014566, OMIM 616280.
Severe early-onset pulmonary alveolar proteinosis due to MARS deficiency. Also called: PULMONARY ALVEOLAR PROTEINOSIS, REUNION ISLAND; Interstitial lung and liver disease. Identifiers: Orphanet 440427, MedGen C4225400, MONDO:0014206, OMIM 615486.
MARS1-related disorder. Also called: MARS1-related condition.

Allele frequency attached by ClinVar (database versions not stated): gnomAD exomes 0.00006; ExAC 0.00010; TOPMed 0.00023; gnomAD 0.00027 and 0.00030; ESP Exome Variant Server 0.00038; 1000 Genomes Project 0.00040; 1000 Genomes Project 30x 0.00047.
gnomAD v4.1: 81 of 1,612,068 alleles (0.005%); highest among the groups gnomAD compares: African/African-American, 0.1%; no homozygotes.

Submissions (3):

Labcorp Genetics (formerly Invitae), Labcorp
Classification: Likely benign for Charcot-Marie-Tooth disease axonal type 2U; Severe early-onset pulmonary alveolar proteinosis due to MARS deficiency. Last evaluated: 2025-07-21. Review status: criteria provided, single submitter. Criteria: Invitae Variant Classification Sherloc (09022015). Collection method: clinical testing. Allele origin: germline.

GeneDx
Classification: Likely benign. Last evaluated: 2017-10-02. Review status: criteria provided, single submitter. Criteria: GeneDx Variant Classification (06012015). Collection method: clinical testing. Allele origin: germline. Affected: yes.
Comment: This variant is considered likely benign or benign based on one or more of the following criteria: it is a conservative change, it occurs at a poorly conserved position in the protein, it is predicted to be benign by multiple in silico algorithms, and/or has population frequency not consistent with disease.

PreventionGenetics, part of Exact Sciences
Classification: Likely benign for MARS1-related condition. Last evaluated: 2021-03-26. Review status: no assertion criteria provided. Collection method: clinical testing. Allele origin: germline. Not counted in ClinVar's aggregate classification.
Comment: This variant is classified as likely benign based on ACMG/AMP sequence variant interpretation guidelines (Richards et al. 2015 PMID: 25741868, with internal and published modifications).

NM_004990.4(MARS1):c.1754-4C>A

Genes: MARS1 (methionyl-tRNA synthetase 1; plus strand), MIR6758 (microRNA 6758; plus strand). Cytogenetic location: 12q13.3.
Variant type: single nucleotide variant.
Coding change: c.1754-4C>A on transcript NM_004990.4 (MANE Select); 4 bases into the intron before coding-DNA position 1754, C replaced by A.
Molecular consequence: intron variant. On other transcripts: non-coding transcript variant (1).
Genome position (GRCh38, 1-based): chr12:57,512,747, C>A. VCF-style: chr12-57512747-C-A. GRCh37 (hg19) VCF-style: chr12-57906530-C-A.
Identifiers: ClinVar variation 475415 (VCV000475415.14), dbSNP rs377361080, ClinGen allele CA6650616.